The following is an entry in ClinVar:

ClinVar aggregate classification (germline): Uncertain significance. Review status: criteria provided, multiple submitters, no conflicts (2 of 4 stars). 2 submissions from 2 submitters: Uncertain significance (2). Last evaluated 2025-08-13.

Conditions:
Inborn genetic diseases. Identifiers: MedGen C0950123, MeSH D030342.

Allele frequency attached by ClinVar (database versions not stated): gnomAD 0.00005 and 0.00007; TOPMed 0.00005; ESP Exome Variant Server 0.00008.
gnomAD v4.1: 20 of 1,606,488 alleles (0.0012%); highest among the groups gnomAD compares: African/African-American, 0.025%; no homozygotes.

Submissions (2):

Ambry Genetics
Classification: Uncertain significance for Inborn genetic diseases. Last evaluated: 2025-08-13. Review status: criteria provided, single submitter. Criteria: Ambry Variant Classification Scheme 2023. Collection method: clinical testing. Allele origin: germline.

Labcorp Genetics (formerly Invitae), Labcorp
Classification: Uncertain significance. Last evaluated: 2023-12-07. Review status: criteria provided, single submitter. Criteria: Invitae Variant Classification Sherloc (09022015). Collection method: clinical testing. Allele origin: germline.
Comment: This sequence change replaces leucine, which is neutral and non-polar, with isoleucine, which is neutral and non-polar, at codon 232 of the KCNV2 protein (p.Leu232Ile). This variant is present in population databases (rs375426599, gnomAD 0.009%). This variant has not been reported in the literature in individuals affected with KCNV2-related conditions. ClinVar contains an entry for this variant (Variation ID: 1491349). Advanced modeling of protein sequence and biophysical properties (such as structural, functional, and spatial information, amino acid conservation, physicochemical variation, residue mobility, and thermodynamic stability) performed at Invitae indicates that this missense variant is not expected to disrupt KCNV2 protein function with a negative predictive value of 80%. In summary, the available evidence is currently insufficient to determine the role of this variant in disease. Therefore, it has been classified as a Variant of Uncertain Significance.

NM_133497.4(KCNV2):c.694C>A (p.Leu232Ile)

Gene: KCNV2 (potassium voltage-gated channel modifier subfamily V member 2; plus strand). Cytogenetic location: 9p24.2.
Variant type: single nucleotide variant.
Coding change: c.694C>A on transcript NM_133497.4 (MANE Select); coding-DNA position 694, C replaced by A.
Protein change: p.Leu232Ile; replaces leucine 232 with isoleucine.
Molecular consequence: missense variant.
Genome position (GRCh38, 1-based): chr9:2,718,433, C>A. VCF-style: chr9-2718433-C-A. GRCh37 (hg19) VCF-style: chr9-2718433-C-A.
Other names: c.694C>A (NM_133497.3); short protein forms L232I.
Identifiers: ClinVar variation 1491349 (VCV001491349.7), dbSNP rs375426599, ClinGen allele CA4965582.